The following is an entry in ClinVar:

NM_021922.3(FANCE):c.1204C>T (p.Leu402Phe)

Gene: FANCE (FA complementation group E; plus strand). Cytogenetic location: 6p21.31.
Variant type: single nucleotide variant.
Coding change: c.1204C>T on transcript NM_021922.3 (MANE Select); coding-DNA position 1204, C replaced by T.
Protein change: p.Leu402Phe; replaces leucine 402 with phenylalanine.
Molecular consequence: missense variant.
Genome position (GRCh38, 1-based): chr6:35,459,421, C>T. VCF-style: chr6-35459421-C-T. GRCh37 (hg19) VCF-style: chr6-35427198-C-T.
Other names: c.1204C>T (NM_021922.2); short protein forms L402F.
Identifiers: ClinVar variation 1439323 (VCV001439323.9), dbSNP rs1256696675, ClinGen allele CA363776786.
Genomic context (GRCh38, chr6:35,459,421, plus strand): 5'-CTGCTTACAACTGCCCTGACCTCCTTCTGTGCCAAATATACATACCCTGTCTGCAGCGCC[C>T]TCCTTGACCCTGTGCTCCAGGCCCCAGGCACAGGTAATTCTGGAACCAGCCCCAGGCCCA-3'
Protein context (NP_068741.1, residues 392-412): AKYTYPVCSA[Leu402Phe]LDPVLQAPGT

ClinVar aggregate classification (germline): Uncertain significance. Review status: criteria provided, multiple submitters, no conflicts (2 of 4 stars). 3 submissions from 3 submitters: Uncertain significance (3). Last evaluated 2023-07-07.

Conditions:
Fanconi anemia complementation group E (FANCE). Also called: FANCE-Related Fanconi Anemia. Identifiers: Orphanet 84, MedGen C3160739, MONDO:0010953, OMIM 600901.
FANCE-related disorder. Also called: FANCE-related condition.

Allele frequency attached by ClinVar (database versions not stated): gnomAD exomes below 0.00001.

Submissions (3):

PreventionGenetics, part of Exact Sciences
Classification: Uncertain significance for FANCE-related condition. Last evaluated: 2023-07-07. Review status: criteria provided, single submitter. Criteria: ACMG Guidelines, 2015. Collection method: clinical testing. Allele origin: germline.
Comment: The FANCE c.1204C>T variant is predicted to result in the amino acid substitution p.Leu402Phe. To our knowledge, this variant has not been reported in the literature. This variant is reported in 0.0054% of alleles in individuals of East Asian descent in gnomAD. At this time, the clinical significance of this variant is uncertain due to the absence of conclusive functional and genetic evidence.

Labcorp Genetics (formerly Invitae), Labcorp
Classification: Uncertain significance for Fanconi anemia complementation group E. Last evaluated: 2022-07-19. Review status: criteria provided, single submitter. Criteria: Invitae Variant Classification Sherloc (09022015). Collection method: clinical testing. Allele origin: germline.
Comment: This sequence change replaces leucine, which is neutral and non-polar, with phenylalanine, which is neutral and non-polar, at codon 402 of the FANCE protein (p.Leu402Phe). In summary, the available evidence is currently insufficient to determine the role of this variant in disease. Therefore, it has been classified as a Variant of Uncertain Significance. Algorithms developed to predict the effect of missense changes on protein structure and function are either unavailable or do not agree on the potential impact of this missense change (SIFT: "Tolerated"; PolyPhen-2: "Probably Damaging"; Align-GVGD: "Class C0"). ClinVar contains an entry for this variant (Variation ID: 1439323). This variant has not been reported in the literature in individuals affected with FANCE-related conditions. This variant is present in population databases (no rsID available, gnomAD 0.006%).

Blueprint Genetics
Classification: Uncertain significance. Last evaluated: 2021-01-22. Review status: criteria provided, single submitter. Criteria: ACMG Guidelines, 2015. Collection method: clinical testing. Allele origin: germline.